The following is an entry in ClinVar:

ClinVar aggregate classification (germline): Uncertain significance (1 of 4 stars; one submission).

Conditions:
Congenital brain dysgenesis due to glutamine synthetase deficiency (GLND). Also called: GLUTAMINE SYNTHASE DEFICIENCY, CONGENITAL SYSTEMIC. Identifiers: Orphanet 71278, MedGen C1864910, MONDO:0012393, OMIM 610015.

Submission:

Labcorp Genetics (formerly Invitae), Labcorp
Classification: Uncertain significance for Congenital brain dysgenesis due to glutamine synthetase deficiency. Last evaluated: 2022-11-01. Review status: criteria provided, single submitter. Criteria: Invitae Variant Classification Sherloc (09022015). Collection method: clinical testing. Allele origin: germline.
Comment: This sequence change replaces glutamic acid, which is acidic and polar, with glycine, which is neutral and non-polar, at codon 367 of the GLUL protein (p.Glu367Gly). This variant is not present in population databases (gnomAD no frequency). This variant has not been reported in the literature in individuals affected with GLUL-related conditions. ClinVar contains an entry for this variant (Variation ID: 1470976). Algorithms developed to predict the effect of missense changes on protein structure and function (SIFT, PolyPhen-2, Align-GVGD) all suggest that this variant is likely to be tolerated. In summary, the available evidence is currently insufficient to determine the role of this variant in disease. Therefore, it has been classified as a Variant of Uncertain Significance.

NM_001033044.4(GLUL):c.1100A>G (p.Glu367Gly)

Gene: GLUL (glutamate-ammonia ligase; minus strand). Cytogenetic location: 1q25.3.
Variant type: single nucleotide variant.
Coding change: c.1100A>G on transcript NM_001033044.4 (MANE Select); coding-DNA position 1100, A replaced by G.
Protein change: p.Glu367Gly; replaces glutamic acid 367 with glycine.
Molecular consequence: missense variant.
Genome position (GRCh38, 1-based): chr1:182,384,427, T>C on the plus strand (A>G on the coding strand, the complement: GLUL is on the minus strand). VCF-style: chr1-182384427-T-C. GRCh37 (hg19) VCF-style: chr1-182353562-T-C.
Other names: c.1100A>G, p.Glu367Gly (NM_001033056.4, NM_002065.7); short protein forms E367G.
Identifiers: ClinVar variation 1470976 (VCV001470976.8), dbSNP rs2101930806, ClinGen allele CA343637884.